The following is an entry in ClinVar:

NM_002471.4(MYH6):c.427C>T (p.Arg143Trp)

Genes: MYH6 (myosin heavy chain 6; minus strand), LOC114827851 (VISTA enhancer hs2155; plus strand). Cytogenetic location: 14q11.2.
Variant type: single nucleotide variant.
Coding change: c.427C>T on transcript NM_002471.4 (MANE Select); coding-DNA position 427, C replaced by T.
Protein change: p.Arg143Trp; replaces arginine 143 with tryptophan.
Molecular consequence: missense variant.
Genome position (GRCh38, 1-based): chr14:23,405,298, G>A on the plus strand (C>T on the coding strand, the complement: MYH6 is on the minus strand). VCF-style: chr14-23405298-G-A. GRCh37 (hg19) VCF-style: chr14-23874507-G-A.
Other names: short protein forms R143W.
Identifiers: ClinVar variation 959679 (VCV000959679.15), dbSNP rs2277473, ClinGen allele CA7116168.

ClinVar aggregate classification (germline): Uncertain significance. Review status: criteria provided, multiple submitters, no conflicts (2 of 4 stars). 5 submissions from 5 submitters: Uncertain significance (4). 1 of the submissions does not count toward it. Last evaluated 2026-01-21.

Conditions:
Hypertrophic cardiomyopathy 14. Identifiers: MedGen C2750467, MONDO:0013197, OMIM 613251.
Dilated cardiomyopathy 1EE (CMD1EE). Identifiers: Orphanet 154, MedGen C2750466, MONDO:0013198, OMIM 613252.
Cardiovascular phenotype. Identifiers: MedGen CN230736.
Atrial septal defect 3 (ASD3). Identifiers: Orphanet 1478, MedGen C3279790, MONDO:0013567, OMIM 614089.
Hypertrophic cardiomyopathy 1 (CMH1). Also called: MYH7-Related Familial Hypertrophic Cardiomyopathy; Familial hypertrophic cardiomyopathy 1. Identifiers: MedGen C3495498, MONDO:0008647, OMIM 192600.
Sick sinus syndrome 3, susceptibility to (SSS3). Identifiers: Orphanet 166282, MedGen C3279791, MONDO:0013568, OMIM 614090.

Allele frequency attached by ClinVar (database versions not stated): TOPMed 0.00005.
gnomAD v4.1: 23 of 1,614,012 alleles (0.0014%); highest among the groups gnomAD compares: East Asian, 0.0022%; no homozygotes.

Submissions (5):

Labcorp Genetics (formerly Invitae), Labcorp
Classification: Uncertain significance for Hypertrophic cardiomyopathy 14. Last evaluated: 2026-01-21. Review status: criteria provided, single submitter. Criteria: Invitae Variant Classification Sherloc (09022015). Collection method: clinical testing. Allele origin: germline.
Comment: This sequence change replaces arginine, which is basic and polar, with tryptophan, which is neutral and slightly polar, at codon 143 of the MYH6 protein (p.Arg143Trp). This variant is present in population databases (rs2277473, gnomAD 0.004%). This variant has not been reported in the literature in individuals affected with MYH6-related conditions. ClinVar contains an entry for this variant (Variation ID: 959679). Invitae Evidence Modeling of protein sequence and biophysical properties (such as structural, functional, and spatial information, amino acid conservation, physicochemical variation, residue mobility, and thermodynamic stability) indicates that this missense variant is expected to disrupt MYH6 protein function with a positive predictive value of 80%. In summary, the available evidence is currently insufficient to determine the role of this variant in disease. Therefore, it has been classified as a Variant of Uncertain Significance.

GeneDx
Classification: Uncertain significance. Last evaluated: 2025-11-04. Review status: criteria provided, single submitter. Criteria: GeneDx Variant Classification Process June 2021. Collection method: clinical testing. Allele origin: germline. Affected: yes.
Comment: Not observed at a significant frequency in large population cohorts (gnomAD); In silico analysis, which includes protein predictors and evolutionary conservation, supports a deleterious effect; Has not been previously published as pathogenic or benign to our knowledge

Ambry Genetics
Classification: Uncertain significance for Cardiovascular phenotype. Last evaluated: 2024-08-05. Review status: criteria provided, single submitter. Criteria: Ambry Variant Classification Scheme 2023. Collection method: clinical testing. Allele origin: germline.
Comment: The p.R143W variant (also known as c.427C>T), located in coding exon 3 of the MYH6 gene, results from a C to T substitution at nucleotide position 427. The arginine at codon 143 is replaced by tryptophan, an amino acid with dissimilar properties. This amino acid position is highly conserved in available vertebrate species. In addition, this alteration is predicted to be deleterious by in silico analysis. Based on the available evidence, the clinical significance of this variant remains unclear.

Fulgent Genetics
Classification: Uncertain significance for Hypertrophic cardiomyopathy 1; Hypertrophic cardiomyopathy 14; Dilated cardiomyopathy 1EE; Atrial septal defect 3; Sick sinus syndrome 3, susceptibility to. Last evaluated: 2021-08-20. Review status: criteria provided, single submitter. Criteria: ACMG Guidelines, 2015. Collection method: clinical testing. Allele origin: unknown.

Clinical Genetics Laboratory, University Hospital Schleswig-Holstein
Classification: Uncertain significance for Dilated cardiomyopathy 1EE; Hypertrophic cardiomyopathy 14. Last evaluated: 2024-07-02. Review status: no assertion criteria provided. Collection method: clinical testing. Allele origin: germline. Affected: yes. Not counted in ClinVar's aggregate classification.